The following is an entry in ClinVar:

NM_000245.4(MET):c.3451G>A (p.Gly1151Arg)

Gene: MET (MET proto-oncogene, receptor tyrosine kinase; plus strand). Cytogenetic location: 7q31.2.
Variant type: single nucleotide variant.
Coding change: c.3451G>A on transcript NM_000245.4 (MANE Select); coding-DNA position 3451, G replaced by A.
Protein change: p.Gly1151Arg; replaces glycine 1151 with arginine.
Molecular consequence: missense variant.
Genome position (GRCh38, 1-based): chr7:116,778,886, G>A. VCF-style: chr7-116778886-G-A. GRCh37 (hg19) VCF-style: chr7-116418940-G-A.
Other names: c.3505G>A (LRG_662t1); c.3505G>A, p.Gly1169Arg (NM_001127500.3); c.2161G>A, p.Gly721Arg (NM_001324402.2); short protein forms G1169R, G721R, G1151R.
Identifiers: ClinVar variation 485760 (VCV000485760.13), dbSNP rs534974144, ClinGen allele CA4448724.

ClinVar aggregate classification (germline): Conflicting classifications of pathogenicity. Review status: criteria provided, conflicting classifications (1 of 4 stars). 2 submissions from 2 submitters: Uncertain significance (1); Likely benign (1). Last evaluated 2025-07-23.

Conditions:
Hereditary cancer-predisposing syndrome. Also called: Tumor predisposition; Hereditary Cancer Syndrome; Hereditary neoplastic syndrome; Neoplastic Syndromes, Hereditary. Identifiers: Orphanet 140162, MedGen C0027672, MeSH D009386, MONDO:0015356.
Renal cell carcinoma. Identifiers: Orphanet 217071, MedGen C0007134, MeSH D002292, MONDO:0005086, HP:0005584.

Allele frequency attached by ClinVar (database versions not stated): gnomAD exomes below 0.00001 and 0.00002; TOPMed below 0.00001; gnomAD 0.00001; ExAC 0.00003; 1000 Genomes Project 30x 0.00016; 1000 Genomes Project 0.00020.
gnomAD v4.1: 7 of 1,614,040 alleles (0.00043%); highest among the groups gnomAD compares: South Asian, 0.0077%; no homozygotes.

Submissions (2):

Labcorp Genetics (formerly Invitae), Labcorp
Classification: Uncertain significance for Renal cell carcinoma. Last evaluated: 2025-07-23. Review status: criteria provided, single submitter. Criteria: Invitae Variant Classification Sherloc (09022015). Collection method: clinical testing. Allele origin: germline.
Comment: This sequence change replaces glycine, which is neutral and non-polar, with arginine, which is basic and polar, at codon 1169 of the MET protein (p.Gly1169Arg). This variant is present in population databases (rs534974144, gnomAD 0.01%). This variant has not been reported in the literature in individuals affected with MET-related conditions. ClinVar contains an entry for this variant (Variation ID: 485760). Invitae Evidence Modeling of protein sequence and biophysical properties (such as structural, functional, and spatial information, amino acid conservation, physicochemical variation, residue mobility, and thermodynamic stability) indicates that this missense variant is expected to disrupt MET protein function with a positive predictive value of 80%. In summary, the available evidence is currently insufficient to determine the role of this variant in disease. Therefore, it has been classified as a Variant of Uncertain Significance.

Ambry Genetics
Classification: Likely benign for Hereditary cancer-predisposing syndrome. Last evaluated: 2024-09-05. Review status: criteria provided, single submitter. Criteria: Ambry Variant Classification Scheme 2023. Collection method: clinical testing. Allele origin: germline.